The following is an entry in ClinVar:

ClinVar aggregate classification (germline): Uncertain significance (1 of 4 stars; one submission).

gnomAD v4.1: 2 of 1,613,326 alleles (0.00012%); highest among the groups gnomAD compares: Admixed American, 0.0017%; no homozygotes.

Submission:

Ambry Genetics
Classification: Uncertain significance. Last evaluated: 2025-04-24. Review status: criteria provided, single submitter. Criteria: Ambry Variant Classification Scheme 2023. Collection method: clinical testing. Allele origin: germline.
Comment: The p.G806D variant (also known as c.2417G>A), located in coding exon 14 of the PKP4 gene, results from a G to A substitution at nucleotide position 2417. The glycine at codon 806 is replaced by aspartic acid, an amino acid with similar properties. This amino acid position is conserved. In addition, this alteration is predicted to be deleterious by in silico analysis. Based on the available evidence, the clinical significance of this variant remains unclear.

NM_003628.6(PKP4):c.2417G>A (p.Gly806Asp)

Genes: PKP4 (plakophilin 4; plus strand), PKP4-AS1 (PKP4 antisense RNA 1; minus strand). Cytogenetic location: 2q24.1.
Variant type: single nucleotide variant.
Coding change: c.2417G>A on transcript NM_003628.6 (MANE Select); coding-DNA position 2417, G replaced by A.
Protein change: p.Gly806Asp; replaces glycine 806 with aspartic acid.
Molecular consequence: missense variant.
Genome position (GRCh38, 1-based): chr2:158,663,285, G>A. VCF-style: chr2-158663285-G-A. GRCh37 (hg19) VCF-style: chr2-159519797-G-A.
Other names: c.2417G>A, p.Gly806Asp (NM_001005476.4, NM_001304971.2, NM_001377218.1 and 1 more transcripts); c.2414G>A, p.Gly805Asp (NM_001304969.3, NM_001377219.1, NM_001377220.1 and 2 more transcripts); c.1388G>A, p.Gly463Asp (NM_001304970.3); c.2411G>A, p.Gly804Asp (NM_001377222.1, NM_001377223.1); c.2408G>A, p.Gly803Asp (NM_001377224.1); short protein forms G463D, G803D, G806D, G805D, G804D.
Identifiers: ClinVar variation 3933364 (VCV003933364.1).
Genomic context (GRCh38, chr2:158,663,285, plus strand): 5'-ATCATGTTCATTCTGCCTCCATTTAACGTGTGCTGTTTGTCTTTCAGTGGGATGGAGTTG[G>A]TCCTATCCCAGGACTGTCGAAGTCCCCCAAAGGGGTTGAGATGCTGTGGCACCCATCGGT-3'
Protein context (NP_003619.2, residues 796-816): TPQEDQWDGV[Gly806Asp]PIPGLSKSPK